The following is an entry in ClinVar:

ClinVar aggregate classification (germline): Pathogenic (1 of 4 stars; one submission).

Submission:

Quest Diagnostics Nichols Institute San Juan Capistrano
Classification: Pathogenic. Last evaluated: 2021-11-05. Review status: criteria provided, single submitter. Criteria: ACMG/ClinGen CNV Guidelines, 2019. Collection method: clinical testing. Allele origin: unknown.
Comment: The copy number loss of 18q12.1 involves ASXL3 (OMIM 615115) and a 5-prime portion of CCDC178, and is expected to result in developmental and/or behavioral abnormalities. Haploinsufficiency of ASXL3 is associated with Bainbridge-Ropers syndrome (OMIM 615485), an autosomal dominant developmental disorder characterized by delayed psychomotor development, severe intellectual disability with poor or absent speech, hypotonia, feeding difficulties, poor growth, and dysmorphic facial features (Srivastava 2016). While ASXL3 variants are mostly de novo and the penetrance of pathogenic variants appears to be high, reduced or even non-penetrance have been reported (Schirwani 2021). References: Schirwani et al., Am J Med Genet A. 2021 Nov;185(11):3446-3458. PMID: 34436830. Srivastava et al., Hum Mol Genet. 2016 Feb 1;25(3):597-608. PMID: 26647312.

GRCh37/hg19 18q12.1(chr18:30988810-31359711)x1

Genes: ASXL3 (ASXL transcriptional regulator 3; plus strand), CCDC178 (coiled-coil domain containing 178; minus strand). Cytogenetic location: 18q12.1.
Variant type: copy number loss.
Change: copy number 1 (one copy instead of two) of chr18:30,988,810-31,359,711 (370.9 kb, GRCh37 coordinates, 1-based), cytogenetic band 18q12.1.
Identifiers: ClinVar variation 1807800 (VCV001807800.1).